The following is an entry in ClinVar:

ClinVar aggregate classification (germline): Conflicting classifications of pathogenicity. Review status: criteria provided, conflicting classifications (1 of 4 stars). 3 submissions from 3 submitters: Pathogenic (1); Likely pathogenic (1); Uncertain significance (1). Last evaluated 2026-01-20.

Conditions:
Hereditary hemorrhagic telangiectasia (HHT). Also called: ORW DISEASE; Osler Weber Rendu syndrome; OSLER-RENDU-WEBER DISEASE; Osler hemorrhagic telangiectasia syndrome. Identifiers: Orphanet 774, MedGen C0039445, MONDO:0019180. Disease mechanism: loss of function.
Cardiovascular phenotype. Identifiers: MedGen CN230736.

Submissions (3):

Labcorp Genetics (formerly Invitae), Labcorp
Classification: Pathogenic for Hereditary hemorrhagic telangiectasia. Last evaluated: 2026-01-20. Review status: criteria provided, single submitter. Criteria: Invitae Variant Classification Sherloc (09022015). Collection method: clinical testing. Allele origin: germline.
Comment: This sequence change replaces arginine, which is basic and polar, with proline, which is neutral and non-polar, at codon 205 of the ENG protein (p.Arg205Pro). This variant is not present in population databases (gnomAD no frequency). This missense change has been observed in individual(s) with clinical features of hereditary hemorrhagic telangiectasia (PMID: 20414677, 32300199, 34872578; internal data). In at least one individual the variant was observed to be de novo. ClinVar contains an entry for this variant (Variation ID: 1751881). Invitae Evidence Modeling of protein sequence and biophysical properties (such as structural, functional, and spatial information, amino acid conservation, physicochemical variation, residue mobility, and thermodynamic stability) indicates that this missense variant is not expected to disrupt ENG protein function with a negative predictive value of 95%. For these reasons, this variant has been classified as Pathogenic.

Blueprint Genetics
Classification: Uncertain significance. Last evaluated: 2024-11-07. Review status: criteria provided, single submitter. Criteria: ACMG Guidelines, 2015. Collection method: clinical testing. Allele origin: germline.

Ambry Genetics
Classification: Likely pathogenic for Cardiovascular phenotype. Last evaluated: 2021-09-10. Review status: criteria provided, single submitter. Criteria: Ambry Variant Classification Scheme 2023. Collection method: clinical testing. Allele origin: germline.
Comment: The p.R205P variant (also known as c.614G>C), located in coding exon 5 of the ENG gene, results from a G to C substitution at nucleotide position 614. The arginine at codon 205 is replaced by proline, an amino acid with dissimilar properties. This variant has been detected in individuals with definite hereditary hemorrhagic telangiectasia (HHT) based on diagnostic criteria, as well as in individuals with features of HHT where clinical details were limited (Ambry internal data; Gedge F et al, J Mol Diagn. 2007;9(2):258-265; Richards-Yutz J et al. Hum. Genet., 2010 Jul;128:61-77; McDonald J et al. Genet Med, 2020 07;22:1201-1205). This variant is considered to be rare based on population cohorts in the Genome Aggregation Database (gnomAD). Based on the majority of available evidence to date, this variant is likely to be pathogenic.

Literature cited by the submitters: PubMed 20414677 (cited by Labcorp Genetics (formerly Invitae), Labcorp and Ambry Genetics); PubMed 32300199 (cited by Labcorp Genetics (formerly Invitae), Labcorp and Ambry Genetics); PubMed 34872578 (cited by Labcorp Genetics (formerly Invitae), Labcorp); PubMed 17384219 (cited by Ambry Genetics).

NM_001114753.3(ENG):c.614G>C (p.Arg205Pro)

Gene: ENG (endoglin; minus strand). Cytogenetic location: 9q34.11.
Variant type: single nucleotide variant.
Coding change: c.614G>C on transcript NM_001114753.3 (MANE Select); coding-DNA position 614, G replaced by C.
Protein change: p.Arg205Pro; replaces arginine 205 with proline.
Molecular consequence: missense variant.
Genome position (GRCh38, 1-based): chr9:127,825,770, C>G on the plus strand (G>C on the coding strand, the complement: ENG is on the minus strand). VCF-style: chr9-127825770-C-G. GRCh37 (hg19) VCF-style: chr9-130588049-C-G.
Other names: c.614G>C, p.Arg205Pro (NM_001406715.1, NM_000118.4); c.68G>C, p.Arg23Pro (NM_001278138.2); short protein forms R205P, R23P.
Identifiers: ClinVar variation 1751881 (VCV001751881.6), dbSNP rs751778614, ClinGen allele CA374983632.